The following is an entry in ClinVar:

ClinVar aggregate classification (germline): Pathogenic (1 of 4 stars; one submission).

Submission:

Labcorp Genetics (formerly Invitae), Labcorp
Classification: Pathogenic. Last evaluated: 2023-08-23. Review status: criteria provided, single submitter. Criteria: Invitae Variant Classification Sherloc (09022015). Collection method: clinical testing. Allele origin: unknown.
Comment: This variant is a gross deletion of the genomic region encompassing exon(s) 2-18 of the ACO2 gene, which includes the termination codon. This deletion extends beyond the assayed region for this gene and therefore may encompass additional genes. While this deletion is not anticipated to lead to nonsense mediated decay, it is expected to alter mRNA translation or result in a truncated protein product. For these reasons, this variant has been classified as Pathogenic. This variant disrupts a region of the ACO2 protein in which other variant(s) (Deletion of exons 10-18) have been determined to be pathogenic (Invitae). This suggests that this is a clinically significant region of the protein, and that variants that disrupt it are likely to be disease-causing. This variant has not been reported in the literature in individuals affected with ACO2-related conditions.

NC_000022.10:g.(?_41895710)_(41924617_?)del

Genes: ACO2 (aconitase 2; plus strand), POLR3H (RNA polymerase III subunit H; minus strand). Cytogenetic location: 22q13.2.
Variant type: Deletion.
Identifiers: ClinVar variation 3248062 (VCV003248062.1).